The following is an entry in ClinVar:

NM_006445.4(PRPF8):c.47G>C (p.Gly16Ala)

Gene: PRPF8 (pre-mRNA processing factor 8; minus strand). Cytogenetic location: 17p13.3.
Variant type: single nucleotide variant.
Coding change: c.47G>C on transcript NM_006445.4 (MANE Select); coding-DNA position 47, G replaced by C.
Protein change: p.Gly16Ala; replaces glycine 16 with alanine.
Molecular consequence: missense variant.
Genome position (GRCh38, 1-based): chr17:1,684,525, C>G on the plus strand (G>C on the coding strand, the complement: PRPF8 is on the minus strand). VCF-style: chr17-1684525-C-G. GRCh37 (hg19) VCF-style: chr17-1587819-C-G.
Other names: short protein forms G16A.
Identifiers: ClinVar variation 1721485 (VCV001721485.6), dbSNP rs2543790689, ClinGen allele CA397572450.
Genomic context (GRCh38, chr17:1,684,525, plus strand): 5'-GCCTCACCTTTCTCCTGCAGCTTCTCCTCCGACATGTAGTCCGGTAGCGGGGCTAGAGGG[C>G]CAGGCACCGGGTTACCCGGCCCTCGATAAGGAAACACTCCGGCCATATCCGGAGAATCTG-3'
Protein context (NP_006436.3, residues 6-26): PYRGPGNPVP[Gly16Ala]PLAPLPDYMS

ClinVar aggregate classification (germline): Uncertain significance (1 of 4 stars; one submission).

Submission:

Labcorp Genetics (formerly Invitae), Labcorp
Classification: Uncertain significance. Last evaluated: 2023-01-06. Review status: criteria provided, single submitter. Criteria: Invitae Variant Classification Sherloc (09022015). Collection method: clinical testing. Allele origin: germline.
Comment: In summary, the available evidence is currently insufficient to determine the role of this variant in disease. Therefore, it has been classified as a Variant of Uncertain Significance. Algorithms developed to predict the effect of missense changes on protein structure and function (SIFT, PolyPhen-2, Align-GVGD) all suggest that this variant is likely to be tolerated. ClinVar contains an entry for this variant (Variation ID: 1721485). This variant has not been reported in the literature in individuals affected with PRPF8-related conditions. This variant is not present in population databases (gnomAD no frequency). This sequence change replaces glycine, which is neutral and non-polar, with alanine, which is neutral and non-polar, at codon 16 of the PRPF8 protein (p.Gly16Ala).